The following is an entry in ClinVar:

ClinVar aggregate classification (germline): Uncertain significance (1 of 4 stars; one submission).

Submission:

Labcorp Genetics (formerly Invitae), Labcorp
Classification: Uncertain significance. Last evaluated: 2019-10-02. Review status: criteria provided, single submitter. Criteria: Invitae Variant Classification Sherloc (09022015). Collection method: clinical testing. Allele origin: germline.
Comment: This sequence change replaces glycine with arginine at codon 572 of the MSH3 protein (p.Gly572Arg). The glycine residue is highly conserved and there is a moderate physicochemical difference between glycine and arginine. This variant is not present in population databases (ExAC no frequency). This variant has not been reported in the literature in individuals with MSH3-related conditions. Algorithms developed to predict the effect of missense changes on protein structure and function are either unavailable or do not agree on the potential impact of this missense change (SIFT: "Deleterious"; PolyPhen-2: "Probably Damaging"; Align-GVGD: "Class C0"). Algorithms developed to predict the effect of sequence changes on RNA splicing suggest that this variant may create or strengthen a splice site, but this prediction has not been confirmed by published transcriptional studies. In summary, the available evidence is currently insufficient to determine the role of this variant in disease. Therefore, it has been classified as a Variant of Uncertain Significance.

NM_002439.5(MSH3):c.1714G>A (p.Gly572Arg)

Gene: MSH3 (mutS homolog 3; plus strand). Cytogenetic location: 5q14.1.
Variant type: single nucleotide variant.
Coding change: c.1714G>A on transcript NM_002439.5 (MANE Select); coding-DNA position 1714, G replaced by A.
Protein change: p.Gly572Arg; replaces glycine 572 with arginine.
Molecular consequence: missense variant.
Genome position (GRCh38, 1-based): chr5:80,744,566, G>A. VCF-style: chr5-80744566-G-A. GRCh37 (hg19) VCF-style: chr5-80040385-G-A.
Other names: short protein forms G572R.
Identifiers: ClinVar variation 935042 (VCV000935042.9), dbSNP rs1743680441, ClinGen allele CA360274749.